The following is an entry in ClinVar:

ClinVar aggregate classification (germline): Likely benign (1 of 4 stars; one submission).

Allele frequency attached by ClinVar (database versions not stated): 1000 Genomes Project 0.00040; 1000 Genomes Project 30x 0.00094; ESP Exome Variant Server 0.00220; ExAC 0.00711.

Submission:

CeGaT Center for Human Genetics Tuebingen
Classification: Likely benign. Last evaluated: 2024-09-01. Review status: criteria provided, single submitter. Criteria: CeGaT Center For Human Genetics Tuebingen Variant Classification Criteria Version 2. Collection method: clinical testing. Allele origin: germline. Affected: yes. Observed: 3 variant alleles.
Comment: SBNO2: BP4, BP7, BS2

NM_014963.3(SBNO2):c.280-4376C>T

Gene: SBNO2 (strawberry notch homolog 2; minus strand). Cytogenetic location: 19p13.3.
Variant type: single nucleotide variant.
Coding change: c.280-4376C>T on transcript NM_014963.3 (MANE Select); 4376 bases into the intron before coding-DNA position 280, C replaced by T.
Molecular consequence: intron variant. On other transcripts: synonymous variant (1).
Genome position (GRCh38, 1-based): chr19:1,132,141, G>A on the plus strand (C>T on the coding strand, the complement: SBNO2 is on the minus strand). VCF-style: chr19-1132141-G-A. GRCh37 (hg19) VCF-style: chr19-1132140-G-A.
Other names: c.57C>T, p.Ala19= (NM_001100122.2).
Identifiers: ClinVar variation 2648907 (VCV002648907.24), dbSNP rs377714018, ClinGen allele CA9039221.